The following is an entry in ClinVar:

ClinVar aggregate classification (germline): Uncertain significance. Review status: criteria provided, multiple submitters, no conflicts (2 of 4 stars). 3 submissions from 3 submitters: Uncertain significance (3). Last evaluated 2024-08-23.

Conditions:
Inborn genetic diseases. Identifiers: MedGen C0950123, MeSH D030342.

Allele frequency attached by ClinVar (database versions not stated): gnomAD 0.00001; TOPMed 0.00001; gnomAD exomes 0.00002; ExAC 0.00003; ESP Exome Variant Server 0.00008; 1000 Genomes Project 30x 0.00016.
gnomAD v4.1: 28 of 1,612,878 alleles (0.0017%); highest among the groups gnomAD compares: Non-Finnish European, 0.0023%; no homozygotes.

Submissions (3):

Blueprint Genetics
Classification: Uncertain significance. Last evaluated: 2024-08-23. Review status: criteria provided, single submitter. Criteria: ACMG Guidelines, 2015. Collection method: clinical testing. Allele origin: germline.

Labcorp Genetics (formerly Invitae), Labcorp
Classification: Uncertain significance. Last evaluated: 2022-03-10. Review status: criteria provided, single submitter. Criteria: Invitae Variant Classification Sherloc (09022015). Collection method: clinical testing. Allele origin: germline.
Comment: This sequence change replaces arginine, which is basic and polar, with histidine, which is basic and polar, at codon 529 of the P3H2 protein (p.Arg529His). This variant is present in population databases (rs141691712, gnomAD 0.005%). This variant has not been reported in the literature in individuals affected with P3H2-related conditions. ClinVar contains an entry for this variant (Variation ID: 1001357). Algorithms developed to predict the effect of missense changes on protein structure and function are either unavailable or do not agree on the potential impact of this missense change (SIFT: "Deleterious"; PolyPhen-2: "Benign"; Align-GVGD: "Class C0"). In summary, the available evidence is currently insufficient to determine the role of this variant in disease. Therefore, it has been classified as a Variant of Uncertain Significance.

Ambry Genetics
Classification: Uncertain significance for Inborn genetic diseases. Last evaluated: 2021-12-15. Review status: criteria provided, single submitter. Criteria: Ambry Variant Classification Scheme 2023. Collection method: clinical testing. Allele origin: germline.

NM_018192.4(P3H2):c.1586G>A (p.Arg529His)

Gene: P3H2 (prolyl 3-hydroxylase 2; minus strand). Cytogenetic location: 3q28.
Variant type: single nucleotide variant.
Coding change: c.1586G>A on transcript NM_018192.4 (MANE Select); coding-DNA position 1586, G replaced by A.
Protein change: p.Arg529His; replaces arginine 529 with histidine.
Molecular consequence: missense variant.
Genome position (GRCh38, 1-based): chr3:189,972,987, C>T on the plus strand (G>A on the coding strand, the complement: P3H2 is on the minus strand). VCF-style: chr3-189972987-C-T. GRCh37 (hg19) VCF-style: chr3-189690776-C-T.
Other names: c.1043G>A, p.Arg348His (NM_001134418.2); c.1586G>A (NM_018192.3); short protein forms R348H, R529H.
Identifiers: ClinVar variation 1001357 (VCV001001357.5), dbSNP rs141691712, ClinGen allele CA2752837.